The following is an entry in ClinVar:

ClinVar aggregate classification (germline): Uncertain significance (1 of 4 stars; one submission).

Conditions:
Congenital disorder of deglycosylation (CDDG). Identifiers: MedGen C3808991, MONDO:0031376.

Allele frequency attached by ClinVar (database versions not stated): TOPMed below 0.00001; gnomAD 0.00001.

Submission:

Labcorp Genetics (formerly Invitae), Labcorp
Classification: Uncertain significance for Congenital disorder of deglycosylation. Last evaluated: 2021-06-13. Review status: criteria provided, single submitter. Criteria: Invitae Variant Classification Sherloc (09022015). Collection method: clinical testing. Allele origin: germline.
Comment: This sequence change replaces glutamine with arginine at codon 155 of the NGLY1 protein (p.Gln155Arg). The glutamine residue is moderately conserved and there is a small physicochemical difference between glutamine and arginine. In summary, the available evidence is currently insufficient to determine the role of this variant in disease. Therefore, it has been classified as a Variant of Uncertain Significance. Algorithms developed to predict the effect of missense changes on protein structure and function (SIFT, PolyPhen-2, Align-GVGD) all suggest that this variant is likely to be tolerated, but these predictions have not been confirmed by published functional studies and their clinical significance is uncertain. This variant has not been reported in the literature in individuals with NGLY1-related conditions. This variant is not present in population databases (ExAC no frequency).

NM_018297.4(NGLY1):c.464A>G (p.Gln155Arg)

Gene: NGLY1 (N-glycanase 1; minus strand). Cytogenetic location: 3p24.2.
Variant type: single nucleotide variant.
Coding change: c.464A>G on transcript NM_018297.4 (MANE Select); coding-DNA position 464, A replaced by G.
Protein change: p.Gln155Arg; replaces glutamine 155 with arginine.
Molecular consequence: missense variant.
Genome position (GRCh38, 1-based): chr3:25,764,094, T>C on the plus strand (A>G on the coding strand, the complement: NGLY1 is on the minus strand). VCF-style: chr3-25764094-T-C. GRCh37 (hg19) VCF-style: chr3-25805585-T-C.
Other names: c.464A>G, p.Gln155Arg (NM_001145293.2, NM_001145295.2); c.338A>G, p.Gln113Arg (NM_001145294.2); short protein forms Q113R, Q155R.
Identifiers: ClinVar variation 1358483 (VCV001358483.8), dbSNP rs1385762448, ClinGen allele CA351908560.